The following is an entry in ClinVar:

NM_001903.5(CTNNA1):c.1884A>G (p.Ala628=)

Gene: CTNNA1 (catenin alpha 1; plus strand). Cytogenetic location: 5q31.2.
Variant type: single nucleotide variant.
Coding change: c.1884A>G on transcript NM_001903.5 (MANE Select); coding-DNA position 1884, A replaced by G.
Protein change: p.Ala628=; no amino-acid change (alanine 628 retained).
Molecular consequence: synonymous variant.
Genome position (GRCh38, 1-based): chr5:138,925,392, A>G. VCF-style: chr5-138925392-A-G. GRCh37 (hg19) VCF-style: chr5-138261081-A-G.
Other names: c.1884A>G, p.Ala628= (NM_001290307.3, NM_001323982.2, NM_001323983.1 and 2 more transcripts); c.1575A>G, p.Ala525= (NM_001290309.3); c.1515A>G, p.Ala505= (NM_001290310.3); c.774A>G, p.Ala258= (NM_001290312.1, NM_001323987.1, NM_001323988.1 and 17 more transcripts); c.1791A>G, p.Ala597= (NM_001323986.2); c.435A>G, p.Ala145= (NM_001324006.1, NM_001324007.1, NM_001324008.1 and 2 more transcripts); c.681A>G, p.Ala227= (NM_001324011.1); c.531A>G, p.Ala177= (NM_001324012.1, NM_001324013.1).
Identifiers: ClinVar variation 1096852 (VCV001096852.10), dbSNP rs1763800161, ClinGen allele CA446597471.
Genomic context (GRCh38, chr5:138,925,392, plus strand): 5'-GAATGAGTTTATCGATGCTTCCCGCCTGGTATATGATGGCATCCGGGACATCAGGAAAGC[A>G]GTGCTGATGATAAGGGTGAGTAACTGCATTTCAGACGTCTTAACAGCTTCTTTCTTATCA-3'
Protein context (NP_001894.2, residues 618-638): VYDGIRDIRK[Ala628=]VLMIRTPEEL

ClinVar aggregate classification (germline): Benign/Likely benign. Review status: criteria provided, multiple submitters, no conflicts (2 of 4 stars). 2 submissions from 2 submitters: Benign (1); Likely benign (1). Last evaluated 2024-10-14.

Conditions:
Hereditary diffuse gastric adenocarcinoma (HDGC). Also called: DIFFUSE GASTRIC AND LOBULAR BREAST CANCER SYNDROME. Identifiers: Orphanet 26106, MedGen C1708349, MONDO:0007648, OMIM 137215.

Allele frequency attached by ClinVar (database versions not stated): gnomAD exomes below 0.00001.
gnomAD v4.1: 1 of 1,614,182 alleles (0.000062%); highest among the groups gnomAD compares: East Asian, 0.0022%; no homozygotes.

Submissions (2):

Myriad Genetics, Inc.
Classification: Benign for Hereditary diffuse gastric adenocarcinoma. Last evaluated: 2024-10-14. Review status: criteria provided, single submitter. Criteria: Myriad Autosomal Dominant, Autosomal Recessive and X-Linked Classification Criteria (2023). Collection method: clinical testing. Allele origin: unknown.
Comment: This variant is considered benign. This variant is a silent/synonymous amino acid change and it is not expected to impact splicing.

Labcorp Genetics (formerly Invitae), Labcorp
Classification: Likely benign. Last evaluated: 2024-01-16. Review status: criteria provided, single submitter. Criteria: Invitae Variant Classification Sherloc (09022015). Collection method: clinical testing. Allele origin: germline.